The following is an entry in ClinVar:

ClinVar aggregate classification (germline): Benign/Likely benign. Review status: criteria provided, multiple submitters, no conflicts (2 of 4 stars). 4 submissions from 4 submitters: Benign (3); Likely benign (1). Last evaluated 2025-12-16.

Allele frequency attached by ClinVar (database versions not stated): gnomAD exomes 0.00028 and 0.00063; ExAC 0.00085; gnomAD 0.00222 and 0.00227; ESP Exome Variant Server 0.00251; TOPMed 0.00266; 1000 Genomes Project 30x 0.00344; 1000 Genomes Project 0.00359.
gnomAD v4.1: 793 of 1,612,238 alleles (0.049%); highest among the groups gnomAD compares: African/African-American, 0.77%; 4 homozygotes.

Submissions (4):

Labcorp Genetics (formerly Invitae), Labcorp
Classification: Benign. Last evaluated: 2025-12-16. Review status: criteria provided, single submitter. Criteria: Invitae Variant Classification Sherloc (09022015). Collection method: clinical testing. Allele origin: germline.

Blueprint Genetics
Classification: Likely benign. Last evaluated: 2024-09-18. Review status: criteria provided, single submitter. Criteria: ACMG Guidelines, 2015. Collection method: clinical testing. Allele origin: germline.

Laboratory for Molecular Medicine, Mass General Brigham Personalized Medicine
Classification: Benign. Last evaluated: 2017-08-23. Review status: criteria provided, single submitter. Criteria: LMM Criteria. Collection method: clinical testing. Allele origin: germline. Observed: 1 variant allele.
Comment: p.Arg694Arg in exon 16 of CEP78: This variant is not expected to have clinical s ignificance because it does not alter an amino acid residue, is not located with in the splice consensus sequence, and has been identified in 0.76% (63/8318) of African chromosomes by the Exome Aggregation Consortium (ExAC; dbSNP rs61730339).

Breakthrough Genomics
Classification: Benign. Review status: criteria provided, single submitter. Criteria: ACMG Guidelines, 2015. Collection method: not provided. Allele origin: germline. Inheritance: Autosomal recessive inheritance. Affected: yes.

NM_001330691.3(CEP78):c.2077A>C (p.Arg693=)

Gene: CEP78 (centrosomal protein 78; plus strand). Cytogenetic location: 9q21.2.
Variant type: single nucleotide variant.
Coding change: c.2077A>C on transcript NM_001330691.3 (MANE Select); coding-DNA position 2077, A replaced by C.
Protein change: p.Arg693=; no amino-acid change (arginine 693 retained).
Molecular consequence: synonymous variant.
Genome position (GRCh38, 1-based): chr9:78,266,673, A>C. VCF-style: chr9-78266673-A-C. GRCh37 (hg19) VCF-style: chr9-80881589-A-C.
Other names: c.2080A>C, p.Arg694= (NM_001098802.3, NM_001349839.2); c.2029A>C, p.Arg677= (NM_001330693.3, NM_001330694.2); c.2077A>C, p.Arg693= (NM_001349838.2); c.2032A>C, p.Arg678= (NM_001349840.2, NM_032171.3).
Identifiers: ClinVar variation 667042 (VCV000667042.15), dbSNP rs61730339, ClinGen allele CA5095425.